The following is an entry in ClinVar:

ClinVar aggregate classification (germline): Uncertain significance (1 of 4 stars; one submission).

Allele frequency attached by ClinVar (database versions not stated): gnomAD exomes below 0.00001.
gnomAD v4.1: 2 of 1,613,586 alleles (0.00012%); highest among the groups gnomAD compares: Non-Finnish European, 0.00017%; no homozygotes.

Submission:

Labcorp Genetics (formerly Invitae), Labcorp
Classification: Uncertain significance. Last evaluated: 2021-12-04. Review status: criteria provided, single submitter. Criteria: Invitae Variant Classification Sherloc (09022015). Collection method: clinical testing. Allele origin: germline.
Comment: This sequence change replaces serine, which is neutral and polar, with phenylalanine, which is neutral and non-polar, at codon 576 of the SLC12A6 protein (p.Ser576Phe). This variant is present in population databases (no rsID available, gnomAD 0.0009%). This variant has not been reported in the literature in individuals affected with SLC12A6-related conditions. Algorithms developed to predict the effect of missense changes on protein structure and function are either unavailable or do not agree on the potential impact of this missense change (SIFT: "Deleterious"; PolyPhen-2: "Probably Damaging"; Align-GVGD: "Class C0"). In summary, the available evidence is currently insufficient to determine the role of this variant in disease. Therefore, it has been classified as a Variant of Uncertain Significance.

NM_001365088.1(SLC12A6):c.1727C>T (p.Ser576Phe)

Gene: SLC12A6 (solute carrier family 12 member 6; minus strand). Cytogenetic location: 15q14.
Variant type: single nucleotide variant.
Coding change: c.1727C>T on transcript NM_001365088.1 (MANE Select); coding-DNA position 1727, C replaced by T.
Protein change: p.Ser576Phe; replaces serine 576 with phenylalanine.
Molecular consequence: missense variant.
Genome position (GRCh38, 1-based): chr15:34,245,790, G>A on the plus strand (C>T on the coding strand, the complement: SLC12A6 is on the minus strand). VCF-style: chr15-34245790-G-A. GRCh37 (hg19) VCF-style: chr15-34537991-G-A.
Other names: c.1550C>T, p.Ser517Phe (NM_001042494.2, NM_001042495.2); c.1700C>T, p.Ser567Phe (NM_001042496.2); c.1682C>T, p.Ser561Phe (NM_001042497.2); c.1574C>T, p.Ser525Phe (NM_005135.2); c.1727C>T, p.Ser576Phe (NM_133647.2); short protein forms S517F, S567F, S525F, S561F, S576F.
Identifiers: ClinVar variation 1436997 (VCV001436997.3), dbSNP rs1244030823, ClinGen allele CA391621167.